The following is an entry in ClinVar:

ClinVar aggregate classification (germline): Pathogenic. Review status: criteria provided, multiple submitters, no conflicts (2 of 4 stars). 2 submissions from 2 submitters: Pathogenic (2). Last evaluated 2025-02-06.

Conditions:
Retinitis pigmentosa 28 (RP28). Identifiers: Orphanet 791, MedGen C1419614, MONDO:0011630, OMIM 606068.

Submissions (2):

Labcorp Genetics (formerly Invitae), Labcorp
Classification: Pathogenic. Last evaluated: 2025-02-06. Review status: criteria provided, single submitter. Criteria: Invitae Variant Classification Sherloc (09022015). Collection method: clinical testing. Allele origin: germline.
Comment: This sequence change creates a premature translational stop signal (p.Lys585Alafs*6) in the FAM161A gene. It is expected to result in an absent or disrupted protein product. Loss-of-function variants in FAM161A are known to be pathogenic (PMID: 20705278, 20705279, 24651477). This variant is not present in population databases (gnomAD no frequency). This premature translational stop signal has been observed in individual(s) with retinitis pigmentosa (PMID: 34795310). ClinVar contains an entry for this variant (Variation ID: 2992396). For these reasons, this variant has been classified as Pathogenic.

Revvity Omics, Revvity
Classification: Pathogenic for Retinitis pigmentosa 28. Last evaluated: 2024-07-09. Review status: criteria provided, single submitter. Criteria: ACMG Guidelines, 2015. Collection method: clinical testing. Allele origin: germline.

Literature cited by the submitters: PubMed 20705278 (cited by Labcorp Genetics (formerly Invitae), Labcorp); PubMed 20705279 (cited by Labcorp Genetics (formerly Invitae), Labcorp); PubMed 24651477 (cited by Labcorp Genetics (formerly Invitae), Labcorp); PubMed 34795310 (cited by Labcorp Genetics (formerly Invitae), Labcorp).

NM_001201543.2(FAM161A):c.1753_1756del

Gene: FAM161A (FAM161 centrosomal protein A; minus strand). Cytogenetic location: 2p15.
Variant type: Deletion.
Coding change: c.1753_1756del on transcript NM_001201543.2 (MANE Select); coding-DNA positions 1753 to 1756, 4 bases deleted (AAGA; older notation c.1753_1756delAAGA).
Genome position (GRCh38, 1-based): chr2:61,836,105-61,836,108, TCTT deleted on the plus strand (AAGA on the coding strand, the reverse complement: FAM161A is on the minus strand); deleting any 4 consecutive bases within chr2:61,836,105-61,836,111 gives the same sequence; the c. name uses the placement nearest the transcript's 3' end. VCF-style (leftmost placement, unchanged base first): chr2-61836104-CTCTT-C. GRCh37 (hg19) VCF-style: chr2-62063239-CTCTT-C.
Identifiers: ClinVar variation 2992396 (VCV002992396.4), dbSNP rs2466010236, ClinGen allele CA2586969351.